The following is an entry in ClinVar:

ClinVar aggregate classification (germline): Likely benign. Review status: criteria provided, multiple submitters, no conflicts (2 of 4 stars). 2 submissions from 2 submitters: Likely benign (2). Last evaluated 2024-10-16.

Conditions:
PCNT-related disorder. Also called: PCNT-related condition.

gnomAD v4.1: 6 of 1,613,988 alleles (0.00037%); highest among the groups gnomAD compares: Middle Eastern, 0.033%; no homozygotes.

Submissions (2):

PreventionGenetics, part of Exact Sciences
Classification: Likely benign for PCNT-related condition. Last evaluated: 2024-10-16. Review status: criteria provided, single submitter. Criteria: ACMG Guidelines, 2015. Collection method: clinical testing. Allele origin: germline.
Comment: This variant is classified as likely benign based on ACMG/AMP sequence variant interpretation guidelines (Richards et al. 2015 PMID: 25741868, with internal and published modifications).

Labcorp Genetics (formerly Invitae), Labcorp
Classification: Likely benign. Last evaluated: 2023-04-09. Review status: criteria provided, single submitter. Criteria: Invitae Variant Classification Sherloc (09022015). Collection method: clinical testing. Allele origin: germline.

NM_006031.6(PCNT):c.1785G>A (p.Ala595=)

Gene: PCNT (pericentrin; plus strand). Cytogenetic location: 21q22.3.
Variant type: single nucleotide variant.
Coding change: c.1785G>A on transcript NM_006031.6 (MANE Select); coding-DNA position 1785, G replaced by A.
Protein change: p.Ala595=; no amino-acid change (alanine 595 retained).
Molecular consequence: synonymous variant.
Genome position (GRCh38, 1-based): chr21:46,355,475, G>A. VCF-style: chr21-46355475-G-A. GRCh37 (hg19) VCF-style: chr21-47775390-G-A.
Other names: c.1785G>A (NM_006031.5); c.1431G>A, p.Ala477= (NM_001315529.2).
Identifiers: ClinVar variation 2986374 (VCV002986374.4), dbSNP rs887014065, ClinGen allele CA321999852.
Genomic context (GRCh38, chr21:46,355,475, plus strand): 5'-CTCACTAACGTGCTTGTCCCACGTGGTTTCTCTGTAGGAGAGCCTGCCACGCTTCCAGGC[G>A]GAGTTAGAAGAAAGCCACAGGCACCAGCTGGAAGCGCTGGAGTCTCCCCTCTGCATCCAG-3'
Protein context (NP_006022.3, residues 585-605): RHKESLPRFQ[Ala595=]ELEESHRHQL